The following is an entry in ClinVar:

NM_003331.5(TYK2):c.1285G>A (p.Asp429Asn)

Gene: TYK2 (tyrosine kinase 2; minus strand). Cytogenetic location: 19p13.2.
Variant type: single nucleotide variant.
Coding change: c.1285G>A on transcript NM_003331.5 (MANE Select); coding-DNA position 1285, G replaced by A.
Protein change: p.Asp429Asn; replaces aspartic acid 429 with asparagine.
Molecular consequence: missense variant.
Genome position (GRCh38, 1-based): chr19:10,364,696, C>T on the plus strand (G>A on the coding strand, the complement: TYK2 is on the minus strand). VCF-style: chr19-10364696-C-T. GRCh37 (hg19) VCF-style: chr19-10475372-C-T.
Other names: c.1285G>A, p.Asp429Asn (NM_001385197.1, NM_001385198.1, NM_001385199.1 and 6 more transcripts); c.1087G>A, p.Asp363Asn (NM_001385201.1); c.1195G>A, p.Asp399Asn (NM_001385205.1); short protein forms D363N, D399N, D429N.
Identifiers: ClinVar variation 1694887 (VCV001694887.31), dbSNP rs758589580, ClinGen allele CA9193470.

ClinVar aggregate classification (germline): Uncertain significance (1 of 4 stars; one submission).

Allele frequency attached by ClinVar (database versions not stated): gnomAD exomes below 0.00001; TOPMed 0.00001.

Submission:

CeGaT Center for Human Genetics Tuebingen
Classification: Uncertain significance. Last evaluated: 2022-06-01. Review status: criteria provided, single submitter. Criteria: CeGaT Center For Human Genetics Tuebingen Variant Classification Criteria Version 2. Collection method: clinical testing. Allele origin: germline. Affected: yes. Observed: 1 variant allele.
Comment: TYK2: PM2